The following is an entry in ClinVar:

NM_016122.3(CEP83):c.2035C>T (p.Arg679Cys)

Gene: CEP83 (centrosomal protein 83; minus strand). Cytogenetic location: 12q22.
Variant type: single nucleotide variant.
Coding change: c.2035C>T on transcript NM_016122.3 (MANE Select); coding-DNA position 2035, C replaced by T.
Protein change: p.Arg679Cys; replaces arginine 679 with cysteine.
Molecular consequence: missense variant. On other transcripts: non-coding transcript variant (2).
Genome position (GRCh38, 1-based): chr12:94,308,884, G>A on the plus strand (C>T on the coding strand, the complement: CEP83 is on the minus strand). VCF-style: chr12-94308884-G-A. GRCh37 (hg19) VCF-style: chr12-94702660-G-A.
Other names: c.2035C>T, p.Arg679Cys (NM_001042399.2, NM_001346457.2, NM_001368037.1 and 1 more transcripts); c.1723C>T, p.Arg575Cys (NM_001346458.2, NM_001346459.2, NM_001368039.1 and 1 more transcripts); c.1810C>T, p.Arg604Cys (NM_001368041.1); c.2035C>T (NM_016122.2); short protein forms R575C, R604C, R679C.
Identifiers: ClinVar variation 1444752 (VCV001444752.7), dbSNP rs771273063, ClinGen allele CA6721475.
Genomic context (GRCh38, chr12:94,308,884, plus strand): 5'-AAGATCCAAGTTCCTCTAGTTGTTTTCTTTGTGTTGTTTCCAGTTCTTCTAGTCTTTTGC[G>A]AAGTAGAGAGAGTTCCCTTTGATGTTGTTCCTCCTTAAAATGATGTAGAGAAAGCATAGC-3'
Protein context (NP_057206.2, residues 669-689): EQHQRELSLL[Arg679Cys]KRLEELETTQ

ClinVar aggregate classification (germline): Uncertain significance. Review status: criteria provided, multiple submitters, no conflicts (2 of 4 stars). 2 submissions from 2 submitters: Uncertain significance (2). Last evaluated 2025-01-23.

Conditions:
Nephronophthisis 18 (NPHP18). Identifiers: Orphanet 655, MedGen C3890591, MONDO:0014374, OMIM 615862.
Inborn genetic diseases. Identifiers: MedGen C0950123, MeSH D030342.

Allele frequency attached by ClinVar (database versions not stated): gnomAD 0.00001; TOPMed 0.00001; ExAC 0.00003; gnomAD exomes 0.00003.
gnomAD v4.1: 22 of 1,611,862 alleles (0.0014%); highest among the groups gnomAD compares: South Asian, 0.013%; no homozygotes.

Submissions (2):

Ambry Genetics
Classification: Uncertain significance for Inborn genetic diseases. Last evaluated: 2025-01-23. Review status: criteria provided, single submitter. Criteria: Ambry Variant Classification Scheme 2023. Collection method: clinical testing. Allele origin: germline.

Labcorp Genetics (formerly Invitae), Labcorp
Classification: Uncertain significance for Nephronophthisis 18. Last evaluated: 2022-07-26. Review status: criteria provided, single submitter. Criteria: Invitae Variant Classification Sherloc (09022015). Collection method: clinical testing. Allele origin: germline.
Comment: This sequence change replaces arginine, which is basic and polar, with cysteine, which is neutral and slightly polar, at codon 679 of the CEP83 protein (p.Arg679Cys). This variant is present in population databases (rs771273063, gnomAD 0.02%). This variant has not been reported in the literature in individuals affected with CEP83-related conditions. ClinVar contains an entry for this variant (Variation ID: 1444752). Algorithms developed to predict the effect of missense changes on protein structure and function are either unavailable or do not agree on the potential impact of this missense change (SIFT: "Not Available"; PolyPhen-2: "Probably Damaging"; Align-GVGD: "Not Available"). In summary, the available evidence is currently insufficient to determine the role of this variant in disease. Therefore, it has been classified as a Variant of Uncertain Significance.